The following is an entry in ClinVar:

ClinVar aggregate classification (germline): Likely benign (0 of 4 stars; one submission).

Conditions:
MAGI2-related disorder. Also called: MAGI2-related condition.

Allele frequency attached by ClinVar (database versions not stated): gnomAD exomes below 0.00001.
gnomAD v4.1: 1 of 1,475,786 alleles (0.000068%); highest among the groups gnomAD compares: South Asian, 0.0013%; no homozygotes.

Submission:

PreventionGenetics, part of Exact Sciences
Classification: Likely benign for MAGI2-related condition. Last evaluated: 2023-08-05. Review status: no assertion criteria provided. Collection method: clinical testing. Allele origin: germline.
Comment: This variant is classified as likely benign based on ACMG/AMP sequence variant interpretation guidelines (Richards et al. 2015 PMID: 25741868, with internal and published modifications).

NM_012301.4(MAGI2):c.2079+9G>A

Gene: MAGI2 (membrane associated guanylate kinase, WW and PDZ domain containing 2; minus strand). Cytogenetic location: 7q21.11.
Variant type: single nucleotide variant.
Coding change: c.2079+9G>A on transcript NM_012301.4 (MANE Select); 9 bases into the intron after coding-DNA position 2079, G replaced by A.
Molecular consequence: intron variant.
Genome position (GRCh38, 1-based): chr7:78,201,153, C>T on the plus strand (G>A on the coding strand, the complement: MAGI2 is on the minus strand). VCF-style: chr7-78201153-C-T. GRCh37 (hg19) VCF-style: chr7-77830470-C-T.
Other names: c.2079+9G>A (NM_001301128.2).
Identifiers: ClinVar variation 3050024 (VCV003050024.2), dbSNP rs2535333721, ClinGen allele CA2683489144.